The following is an entry in ClinVar:

ClinVar aggregate classification (germline): Conflicting classifications of pathogenicity. Review status: criteria provided, conflicting classifications (1 of 4 stars). 10 submissions from 8 submitters: Uncertain significance (4); Benign (2); Likely benign (3). 1 of the submissions does not count toward it. Last evaluated 2026-01-06.

Conditions:
UGT1A1-related disorder. Also called: UGT1A1-related disorders; UGT1A1-related condition.
Crigler-Najjar syndrome type 1. Also called: HYPERBILIRUBINEMIA, CRIGLER-NAJJAR TYPE I. Identifiers: Orphanet 79234, MedGen C0010324, MONDO:0021020, OMIM 218800.
Lucey-Driscoll syndrome (HBLRTFN). Also called: Transient familial neonatal hyperbilirubinemia. Identifiers: Orphanet 2312, MedGen C0270210, MONDO:0009383, OMIM 237900.
Crigler-Najjar syndrome, type II. Also called: Crigler Najjar syndrome, type 2; Mutation in the UDP-glucuronosyl-transferase gene; HYPERBILIRUBINEMIA, CRIGLER-NAJJAR TYPE II. Identifiers: Orphanet 205, Orphanet 79235, MedGen C2931132, MONDO:0011725, OMIM 606785.
Gilbert syndrome. Also called: Gilbert Disease; Gilbert's syndrome; HYPERBILIRUBINEMIA, GILBERT TYPE; HYPERBILIRUBINEMIA I; HYPERBILIRUBINEMIA, ARIAS TYPE. Identifiers: MedGen C0017551, MONDO:0007745, OMIM 143500.
Crigler-Najjar syndrome. Identifiers: Orphanet 205, MedGen C5551003, MONDO:0009044.
Hyperbilirubinemia. Identifiers: MedGen C0311468, MONDO:0024288, HP:0002904.

Allele frequency attached by ClinVar (database versions not stated): 1000 Genomes Project 30x 0.00094; 1000 Genomes Project 0.00100; gnomAD 0.00154; gnomAD exomes 0.00165 and 0.00255; ESP Exome Variant Server 0.00169; TOPMed 0.00189; ExAC 0.00236.
gnomAD v4.1: 2,732 of 1,614,194 alleles (0.17%); highest among the groups gnomAD compares: Middle Eastern, 0.92%; 18 homozygotes.

Submissions (10):

Labcorp Genetics (formerly Invitae), Labcorp
Classification: Benign. Last evaluated: 2026-01-06. Review status: criteria provided, single submitter. Criteria: Invitae Variant Classification Sherloc (09022015). Collection method: clinical testing. Allele origin: germline.

CeGaT Center for Human Genetics Tuebingen
Classification: Likely benign. Last evaluated: 2025-12-01. Review status: criteria provided, single submitter. Criteria: CeGaT Center For Human Genetics Tuebingen Variant Classification Criteria Version 2. Collection method: clinical testing. Allele origin: germline. Affected: yes. Observed: 7 variant alleles.
Comment: UGT1A1: BP4, BP7

ARUP Laboratories, Molecular Genetics and Genomics, ARUP Laboratories
Classification: Benign. Last evaluated: 2024-08-08. Review status: criteria provided, single submitter. Criteria: ARUP Molecular Germline Variant Investigation Process 2024. Collection method: clinical testing. Allele origin: germline.

Department of Pathology and Laboratory Medicine, Sinai Health System
Classification: Uncertain significance for Gilbert syndrome; Crigler-Najjar syndrome type 1; Lucey-Driscoll syndrome; Crigler-Najjar syndrome, type II. Last evaluated: 2023-04-24. Review status: criteria provided, single submitter. Criteria: ACMG Guidelines, 2015. Collection method: research. Allele origin: germline.

Illumina Laboratory Services, Illumina
Classification: Uncertain significance for Lucey-Driscoll syndrome. Last evaluated: 2018-01-13. Review status: criteria provided, single submitter. Criteria: ICSL Variant Classification Criteria 13 December 2019. Collection method: clinical testing. Allele origin: germline.

Illumina Laboratory Services, Illumina
Classification: Likely benign for Crigler-Najjar syndrome. Last evaluated: 2018-01-13. Review status: criteria provided, single submitter. Criteria: ICSL Variant Classification Criteria 13 December 2019. Collection method: clinical testing. Allele origin: germline.
Comment: This variant was observed in the ICSL laboratory as part of a predisposition screen in an ostensibly healthy population. It had not been previously curated by ICSL or reported in the Human Gene Mutation Database (HGMD: prior to June 1st, 2018), and was therefore a candidate for classification through an automated scoring system. Utilizing variant allele frequency, disease prevalence and penetrance estimates, and inheritance mode, an automated score was calculated to assess if this variant is too frequent to cause the disease. Based on the score and internal cut-off values, a variant classified as likely benign is not then subjected to further curation. The score for this variant resulted in a classification of likely benign for this disease.

Illumina Laboratory Services, Illumina
Classification: Uncertain significance for Gilbert syndrome. Last evaluated: 2018-01-13. Review status: criteria provided, single submitter. Criteria: ICSL Variant Classification Criteria 13 December 2019. Collection method: clinical testing. Allele origin: germline.

Eurofins Ntd Llc (ga)
Classification: Likely benign. Last evaluated: 2016-04-27. Review status: criteria provided, single submitter. Criteria: EGL Classification Definitions 2015. Collection method: clinical testing. Allele origin: germline. Observed: 1 variant allele, 1 heterozygote.

Genetic Services Laboratory, University of Chicago
Classification: Uncertain significance for Hyperbilirubinemia. Last evaluated: 2013-02-08. Review status: criteria provided, single submitter. Criteria: ACMG Guidelines, 2007. Collection method: clinical testing. Allele origin: germline. Inheritance: Autosomal recessive inheritance.

PreventionGenetics, part of Exact Sciences
Classification: Likely benign for UGT1A1-related condition. Last evaluated: 2021-03-24. Review status: no assertion criteria provided. Collection method: clinical testing. Allele origin: germline. Not counted in ClinVar's aggregate classification.
Comment: This variant is classified as likely benign based on ACMG/AMP sequence variant interpretation guidelines (Richards et al. 2015 PMID: 25741868, with internal and published modifications).

NM_000463.3(UGT1A1):c.141C>T (p.Ile47=)

Genes: UGT1A7 (UDP glucuronosyltransferase family 1 member A7; plus strand), UGT1A8 (UDP glucuronosyltransferase family 1 member A8; plus strand), UGT1A9 (UDP glucuronosyltransferase family 1 member A9; plus strand), UGT1A6 (UDP glucuronosyltransferase family 1 member A6; plus strand), UGT1A5 (UDP glucuronosyltransferase family 1 member A5; plus strand) and 5 more. Cytogenetic location: 2q37.1.
Variant type: single nucleotide variant.
Coding change: c.141C>T on transcript NM_000463.3 (MANE Select); coding-DNA position 141, C replaced by T.
Protein change: p.Ile47=; no amino-acid change (isoleucine 47 retained).
Molecular consequence: synonymous variant. On other transcripts: intron variant (9).
Genome position (GRCh38, 1-based): chr2:233,760,428, C>T. VCF-style: chr2-233760428-C-T. GRCh37 (hg19) VCF-style: chr2-234669074-C-T.
Other names: c.856-6606C>T (NM_019076.5, NM_019075.4, NM_021027.3 and 1 more transcripts); c.61-6606C>T (NM_205862.3); c.862-6606C>T (NM_001072.4); c.868-6606C>T (NM_019078.2, NM_007120.3, NM_019093.4).
Identifiers: ClinVar variation 160234 (VCV000160234.71), dbSNP rs34526305, ClinGen allele CA173861.